The following is an entry in ClinVar:

ClinVar aggregate classification (germline): Uncertain significance (1 of 4 stars; one submission).

gnomAD v4.1: 8 of 1,611,424 alleles (0.0005%); highest among the groups gnomAD compares: Non-Finnish European, 0.00068%; no homozygotes.

Submission:

Women's Health and Genetics/Laboratory Corporation of America, LabCorp
Classification: Uncertain significance. Last evaluated: 2026-02-27. Review status: criteria provided, single submitter. Criteria: LabCorp Variant Classification Summary - May 2015. Collection method: clinical testing. Allele origin: germline.
Comment: Variant summary: TNXB c.3652G>A (p.Asp1218Asn) results in a conservative amino acid change in the encoded protein sequence. Algorithms developed to predict the effect of missense changes on protein structure and function all suggest that this variant is likely to be tolerated. The variant was absent in 240690 control chromosomes. The available data on variant occurrences in the general population are insufficient to allow any conclusion about variant significance. To our knowledge, no occurrence of c.3652G>A in individuals affected with TNXB-related conditions and no experimental evidence demonstrating its impact on protein function have been reported. No submitters have cited clinical-significance assessments for this variant to ClinVar. Based on the evidence outlined above, the variant was classified as uncertain significance.

NM_001365276.2(TNXB):c.3652G>A (p.Asp1218Asn)

Gene: TNXB (tenascin XB; minus strand). Cytogenetic location: 6p21.33.
Variant type: single nucleotide variant.
Coding change: c.3652G>A on transcript NM_001365276.2 (MANE Select); coding-DNA position 3652, G replaced by A.
Protein change: p.Asp1218Asn; replaces aspartic acid 1218 with asparagine.
Molecular consequence: missense variant.
Genome position (GRCh38, 1-based): chr6:32,082,120, C>T on the plus strand (G>A on the coding strand, the complement: TNXB is on the minus strand). VCF-style: chr6-32082120-C-T. GRCh37 (hg19) VCF-style: chr6-32049897-C-T.
Other names: c.4393G>A, p.Asp1465Asn (NM_001428335.1); c.3652G>A, p.Asp1218Asn (NM_019105.8); short protein forms D1218N, D1465N.
Identifiers: ClinVar variation 4848280 (VCV004848280.1).